The following is an entry in ClinVar:

ClinVar aggregate classification (germline): Uncertain significance (1 of 4 stars; one submission).

Conditions:
Hereditary cancer-predisposing syndrome. Also called: Neoplastic Syndromes, Hereditary; Tumor predisposition; Hereditary neoplastic syndrome; Hereditary Cancer Syndrome. Identifiers: Orphanet 140162, MedGen C0027672, MeSH D009386, MONDO:0015356.

Allele frequency attached by ClinVar (database versions not stated): gnomAD exomes below 0.00001.
gnomAD v4.1: 1 of 1,614,188 alleles (0.000062%); highest among the groups gnomAD compares: Non-Finnish European, 0.000085%; no homozygotes.

Submission:

Ambry Genetics
Classification: Uncertain significance for Hereditary cancer-predisposing syndrome. Last evaluated: 2023-12-22. Review status: criteria provided, single submitter. Criteria: Ambry Variant Classification Scheme 2023. Collection method: clinical testing. Allele origin: germline.
Comment: The p.S418A variant (also known as c.1252T>G), located in coding exon 4 of the MSH6 gene, results from a T to G substitution at nucleotide position 1252. The serine at codon 418 is replaced by alanine, an amino acid with similar properties. This amino acid position is conserved. In addition, the in silico prediction for this alteration is inconclusive. Since supporting evidence is limited at this time, the clinical significance of this alteration remains unclear.

NM_000179.3(MSH6):c.1252T>G (p.Ser418Ala)

Gene: MSH6 (mutS homolog 6; plus strand). Cytogenetic location: 2p16.3.
Variant type: single nucleotide variant.
Coding change: c.1252T>G on transcript NM_000179.3 (MANE Select); coding-DNA position 1252, T replaced by G.
Protein change: p.Ser418Ala; replaces serine 418 with alanine.
Molecular consequence: missense variant. On other transcripts: non-coding transcript variant (4), intron variant (1).
Genome position (GRCh38, 1-based): chr2:47,799,235, T>G. VCF-style: chr2-47799235-T-G. GRCh37 (hg19) VCF-style: chr2-48026374-T-G.
Other names: c.862T>G, p.Ser288Ala (NM_001281492.2); c.346T>G, p.Ser116Ala (NM_001281493.2, NM_001281494.2, NM_001406811.1 and 6 more transcripts); c.1348T>G, p.Ser450Ala (NM_001406795.1, NM_001406802.1); c.1252T>G, p.Ser418Ala (NM_001406796.1, NM_001406798.1, NM_001406800.1 and 4 more transcripts); c.955T>G, p.Ser319Ala (NM_001406797.1, NM_001406801.1, NM_001406805.1 and 10 more transcripts); c.727T>G, p.Ser243Ala (NM_001406799.1, NM_001406806.1, NM_001406807.1); c.1174T>G, p.Ser392Ala (NM_001406804.1); c.1258T>G, p.Ser420Ala (NM_001406813.1); and 2 more; short protein forms S116A, S243A, S288A, S319A, S362A, S392A, S418A, S420A.
Identifiers: ClinVar variation 3230493 (VCV003230493.1), dbSNP rs1251033858, ClinGen allele CA346743852.
Genomic context (GRCh38, chr2:47,799,235, plus strand): 5'-GTGCCTGAGGATTTCCTCAATTCTTGTACTCCTGGGATGAGGAAGTGGTGGCAGATTAAG[T>G]CTCAGAACTTTGATCTTGTCATCTGTTACAAGGTGGGGAAATTTTATGAGCTGTACCACA-3'
Protein context (NP_000170.1, residues 408-428): PGMRKWWQIK[Ser418Ala]QNFDLVICYK